The following is an entry in ClinVar:

ClinVar aggregate classification (germline): Uncertain significance (1 of 4 stars; one submission).

Conditions:
TP63-Related Spectrum Disorders.

Submission:

Labcorp Genetics (formerly Invitae), Labcorp
Classification: Uncertain significance. Last evaluated: 2022-07-02. Review status: criteria provided, single submitter. Criteria: Invitae Variant Classification Sherloc (09022015). Collection method: clinical testing. Allele origin: germline.
Comment: In summary, the available evidence is currently insufficient to determine the role of this variant in disease. Therefore, it has been classified as a Variant of Uncertain Significance. Experimental studies and prediction algorithms are not available or were not evaluated, and the functional significance of this variant is currently unknown. This variant has not been reported in the literature in individuals affected with TP63-related conditions. This variant is a gross deletion of the genomic region encompassing exon(s) 5-14 of the TP63 gene, which includes the termination codon. This deletion extends beyond the assayed region for this gene and therefore may encompass additional genes. While this deletion is not anticipated to lead to nonsense mediated decay, it is expected to alter mRNA translation or result in a truncated protein product.

NC_000003.11:g.(?_189582001)_(189612291_?)del

Gene: TP63 (tumor protein p63; plus strand). Cytogenetic location: 3q28.
Variant type: Deletion.
Identifiers: ClinVar variation 2424747 (VCV002424747.4).